The following is an entry in ClinVar:

ClinVar aggregate classification (germline): Uncertain significance (1 of 4 stars; one submission).

Conditions:
Neuropathy, hereditary sensory and autonomic, type 1C. Also called: HSAN IC; HSN IC. Identifiers: Orphanet 36386, MedGen C3150896, MONDO:0013337, OMIM 613640.

Allele frequency attached by ClinVar (database versions not stated): gnomAD 0.00001 and 0.00002; ExAC 0.00002; gnomAD exomes 0.00002; TOPMed 0.00002.
gnomAD v4.1: 33 of 1,614,050 alleles (0.002%); highest among the groups gnomAD compares: Non-Finnish European, 0.0024%; no homozygotes.

Submission:

Labcorp Genetics (formerly Invitae), Labcorp
Classification: Uncertain significance for Neuropathy, hereditary sensory and autonomic, type 1C. Last evaluated: 2024-09-20. Review status: criteria provided, single submitter. Criteria: Invitae Variant Classification Sherloc (09022015). Collection method: clinical testing. Allele origin: germline.
Comment: This sequence change falls in intron 10 of the SPTLC2 gene. It does not directly change the encoded amino acid sequence of the SPTLC2 protein. It affects a nucleotide within the consensus splice site. This variant is present in population databases (rs750011579, gnomAD 0.01%). This variant has not been reported in the literature in individuals affected with SPTLC2-related conditions. ClinVar contains an entry for this variant (Variation ID: 950818). Variants that disrupt the consensus splice site are a relatively common cause of aberrant splicing (PMID: 17576681, 9536098). Algorithms developed to predict the effect of sequence changes on RNA splicing suggest that this variant may disrupt the consensus splice site. In summary, the available evidence is currently insufficient to determine the role of this variant in disease. Therefore, it has been classified as a Variant of Uncertain Significance.

Literature cited by the submitters: PubMed 17576681; PubMed 9536098.

NM_004863.4(SPTLC2):c.1439+5G>A

Gene: SPTLC2 (serine palmitoyltransferase long chain base subunit 2; minus strand). Cytogenetic location: 14q24.3.
Variant type: single nucleotide variant.
Coding change: c.1439+5G>A on transcript NM_004863.4 (MANE Select); 5 bases into the intron after coding-DNA position 1439, G replaced by A.
Molecular consequence: intron variant.
Genome position (GRCh38, 1-based): chr14:77,521,441, C>T on the plus strand (G>A on the coding strand, the complement: SPTLC2 is on the minus strand). VCF-style: chr14-77521441-C-T. GRCh37 (hg19) VCF-style: chr14-77987784-C-T.
Identifiers: ClinVar variation 950818 (VCV000950818.7), dbSNP rs750011579, ClinGen allele CA7289168.